The following is an entry in ClinVar:

ClinVar aggregate classification (germline): Uncertain significance (1 of 4 stars; one submission).

Submission:

Labcorp Genetics (formerly Invitae), Labcorp
Classification: Uncertain significance. Last evaluated: 2021-04-27. Review status: criteria provided, single submitter. Criteria: Invitae Variant Classification Sherloc (09022015). Collection method: clinical testing. Allele origin: germline.
Comment: In summary, the available evidence is currently insufficient to determine the role of this variant in disease. Therefore, it has been classified as a Variant of Uncertain Significance. Experimental studies and prediction algorithms are not available or were not evaluated, and the functional significance of this variant is currently unknown. This variant has not been reported in the literature in individuals with TTC37-related conditions. This variant is a gross deletion of the genomic region encompassing exon(s) 31-32 of the TTC37 gene. This variant would be expected to be in-frame, preserving the integrity of the reading frame.

NC_000005.9:g.(?_94838564)_(94839662_?)del

Gene: SKIC3 (SKI3 subunit of superkiller complex; minus strand). Cytogenetic location: 5q15.
Variant type: Deletion.
Identifiers: ClinVar variation 1411841 (VCV001411841.6).